The following is an entry in ClinVar:

NM_000098.3(CPT2):c.323del (p.His108fs)

Gene: CPT2 (carnitine palmitoyltransferase 2; plus strand). Cytogenetic location: 1p32.3.
Variant type: Deletion.
Coding change: c.323del on transcript NM_000098.3 (MANE Select); coding-DNA position 323, one base deleted (A; older notation c.323delA).
Protein change: p.His108fs; shifts the reading frame from histidine 108.
Molecular consequence: frameshift variant.
Genome position (GRCh38, 1-based): chr1:53,202,412, A deleted. VCF-style (leftmost placement, unchanged base first): chr1-53202411-CA-C. GRCh37 (hg19) VCF-style: chr1-53668083-CA-C.
Other names: c.323del, p.His108fs (NM_001330589.2); short protein forms H108fs.
Identifiers: ClinVar variation 4729614 (VCV004729614.1).

ClinVar aggregate classification (germline): Pathogenic (1 of 4 stars; one submission).

Conditions:
Carnitine palmitoyltransferase II deficiency. Also called: Carnitine Palmitoyltransferase 2 Deficiency. Identifiers: Orphanet 157, MedGen C0342790, MONDO:0015515.

Submission:

Labcorp Genetics (formerly Invitae), Labcorp
Classification: Pathogenic for Carnitine palmitoyltransferase II deficiency. Last evaluated: 2025-10-25. Review status: criteria provided, single submitter. Criteria: Invitae Variant Classification Sherloc (09022015). Collection method: clinical testing. Allele origin: germline.
Comment: This sequence change creates a premature translational stop signal (p.His108Leufs*22) in the CPT2 gene. It is expected to result in an absent or disrupted protein product. Loss-of-function variants in CPT2 are known to be pathogenic (PMID: 16781677, 16996287). This variant is not present in population databases (gnomAD no frequency). This variant has not been reported in the literature in individuals affected with CPT2-related conditions. For these reasons, this variant has been classified as Pathogenic.

Literature cited by the submitters: PubMed 16781677; PubMed 16996287.